The following is an entry in ClinVar:

ClinVar aggregate classification (germline): Uncertain significance (1 of 4 stars; one submission).

Conditions:
Malignant hyperthermia, susceptibility to, 5 (MHS5). Also called: CACNA1S-Related Malignant Hyperthermia Susceptibility. Identifiers: Orphanet 423, MedGen C1866077, MONDO:0011163, OMIM 601887.

Submission:

All of Us Research Program, National Institutes of Health
Classification: Uncertain significance for Malignant hyperthermia, susceptibility to, 5. Last evaluated: 2024-02-22. Review status: criteria provided, single submitter. Criteria: ACMG Guidelines, 2015. Collection method: clinical testing. Allele origin: germline. Inheritance: Autosomal dominant inheritance. Observed: 1 variant allele, 1 heterozygote.
Comment: This missense variant replaces methionine with isoleucine at codon 483 of the CACNA1S protein. Computational prediction is inconclusive regarding the impact of this variant on protein structure and function (internally defined REVEL score threshold 0.5 < inconclusive < 0.7, PMID: 27666373). To our knowledge, functional studies have not been reported for this variant. This variant has not been reported in individuals affected with CACNA1S-related disorders in the literature. This variant has not been identified in the general population by the Genome Aggregation Database (gnomAD). The available evidence is insufficient to determine the role of this variant in disease conclusively. Therefore, this variant is classified as a Variant of Uncertain Significance.

This study involves interpretation of variants in research participants for the purpose of population health screening. Participant phenotype was not available at the time of variant classification. Additional details can be found in publication PMID: 35346344, PMCID: PMC8962531

NM_000069.3(CACNA1S):c.1449G>A (p.Met483Ile)

Gene: CACNA1S (calcium voltage-gated channel subunit alpha1 S; minus strand). Cytogenetic location: 1q32.1.
Variant type: single nucleotide variant.
Coding change: c.1449G>A on transcript NM_000069.3 (MANE Select); coding-DNA position 1449, G replaced by A.
Protein change: p.Met483Ile; replaces methionine 483 with isoleucine.
Molecular consequence: missense variant.
Genome position (GRCh38, 1-based): chr1:201,078,049, C>T on the plus strand (G>A on the coding strand, the complement: CACNA1S is on the minus strand). VCF-style: chr1-201078049-C-T. GRCh37 (hg19) VCF-style: chr1-201047177-C-T.
Other names: short protein forms M483I.
Identifiers: ClinVar variation 3386381 (VCV003386381.1).